The following is an entry in ClinVar:

ClinVar aggregate classification (germline): Uncertain significance (1 of 4 stars; one submission).

Conditions:
Spastic paraplegia. Identifiers: MedGen C0037772, HP:0001258.

Submission:

Labcorp Genetics (formerly Invitae), Labcorp
Classification: Uncertain significance for Spastic paraplegia. Last evaluated: 2025-09-04. Review status: criteria provided, single submitter. Criteria: Invitae Variant Classification Sherloc (09022015). Collection method: clinical testing. Allele origin: germline.
Comment: This sequence change replaces leucine, which is neutral and non-polar, with phenylalanine, which is neutral and non-polar, at codon 953 of the L1CAM protein (p.Leu953Phe). This variant is not present in population databases (gnomAD no frequency). This variant has not been reported in the literature in individuals affected with L1CAM-related conditions. Invitae Evidence Modeling of protein sequence and biophysical properties (such as structural, functional, and spatial information, amino acid conservation, physicochemical variation, residue mobility, and thermodynamic stability) has been performed for this missense variant. However, the output from this modeling did not meet the statistical confidence thresholds required to predict the impact of this variant on L1CAM protein function. In summary, the available evidence is currently insufficient to determine the role of this variant in disease. Therefore, it has been classified as a Variant of Uncertain Significance.

NM_001278116.2(L1CAM):c.2857C>T (p.Leu953Phe)

Gene: L1CAM (L1 cell adhesion molecule; minus strand). Cytogenetic location: Xq28.
Variant type: single nucleotide variant.
Coding change: c.2857C>T on transcript NM_001278116.2 (MANE Select); coding-DNA position 2857, C replaced by T.
Protein change: p.Leu953Phe; replaces leucine 953 with phenylalanine.
Molecular consequence: missense variant.
Genome position (GRCh38, 1-based): chrX:153,865,103, G>A on the plus strand (C>T on the coding strand, the complement: L1CAM is on the minus strand). VCF-style: chrX-153865103-G-A. GRCh37 (hg19) VCF-style: chrX-153130558-G-A.
Other names: c.2857C>T, p.Leu953Phe (NM_000425.5, NM_024003.3); c.2842C>T, p.Leu948Phe (NM_001143963.2); short protein forms L948F, L953F.
Identifiers: ClinVar variation 4743233 (VCV004743233.1).